The following is an entry in ClinVar:

ClinVar aggregate classification (germline): Benign (1 of 4 stars; one submission).

Conditions:
Familial cancer of breast. Also called: Hereditary breast cancer; hereditary breast carcinoma; BREAST CANCER, FAMILIAL. Identifiers: Orphanet 227535, MedGen C0346153, MONDO:0016419, OMIM 114480. Disease mechanism: loss of function.

Submission:

Myriad Genetics, Inc.
Classification: Benign for Familial cancer of breast. Last evaluated: 2025-01-09. Review status: criteria provided, single submitter. Criteria: Myriad Autosomal Dominant, Autosomal Recessive and X-Linked Classification Criteria (2023). Collection method: clinical testing. Allele origin: unknown.
Comment: This variant is considered benign. This variant is a silent/synonymous amino acid change and it is not expected to impact splicing.

NM_024675.4(PALB2):c.57G>A (p.Glu19=)

Gene: PALB2 (partner and localizer of BRCA2; minus strand). Cytogenetic location: 16p12.2.
Variant type: single nucleotide variant.
Coding change: c.57G>A on transcript NM_024675.4 (MANE Select); coding-DNA position 57, G replaced by A.
Protein change: p.Glu19=; no amino-acid change (glutamic acid 19 retained).
Molecular consequence: synonymous variant. On other transcripts: 5 prime UTR variant (8), intron variant (4).
Genome position (GRCh38, 1-based): chr16:23,638,121, C>T on the plus strand (G>A on the coding strand, the complement: PALB2 is on the minus strand). VCF-style: chr16-23638121-C-T. GRCh37 (hg19) VCF-style: chr16-23649442-C-T.
Other names: c.57G>A, p.Glu19= (NM_001407297.1, NM_001407298.1, NM_001407299.1 and 3 more transcripts); c.-829G>A (NM_001407304.1, NM_001407305.1, NM_001407306.1 and 5 more transcripts); c.48+2989G>A (NM_001407314.1); c.-105+2989G>A (NM_001407313.1, NM_001407312.1); c.49-169G>A (NM_001407296.1).
Identifiers: ClinVar variation 3903978 (VCV003903978.1).